The following is an entry in ClinVar:

ClinVar aggregate classification (germline): Pathogenic. Review status: reviewed by expert panel (3 of 4 stars). 4 submissions from 4 submitters: Pathogenic (1). 3 of the submissions do not count toward it. Last evaluated 2016-09-08.

Conditions:
Hereditary breast ovarian cancer syndrome. Also called: Hereditary breast and ovarian cancer syndrome; Hereditary breast and ovarian cancer; Hereditary breast and ovarian cancer syndrome (HBOC); Breast and ovarian cancer; Hereditary breast and/or ovarian cancer syndrome; BRCA1- and BRCA2-Associated Hereditary Breast and Ovarian Cancer. Identifiers: Orphanet 145, MedGen C0677776, MeSH D061325, MONDO:0003582. Disease mechanism: loss of function.
Breast-ovarian cancer, familial, susceptibility to, 2 (BROVCA2). Also called: BRCA2 Hereditary Breast and Ovarian Cancer. Identifiers: Orphanet 145, MedGen C2675520, MONDO:0012933, OMIM 612555. Disease mechanism: loss of function.
Hereditary cancer-predisposing syndrome. Also called: Neoplastic Syndromes, Hereditary; Tumor predisposition; Hereditary neoplastic syndrome; Hereditary Cancer Syndrome. Identifiers: Orphanet 140162, MedGen C0027672, MeSH D009386, MONDO:0015356.

Submissions (4):

Evidence-based Network for the Interpretation of Germline Mutant Alleles (ENIGMA)
Classification: Pathogenic for Breast-ovarian cancer, familial, susceptibility to, 2. Last evaluated: 2016-09-08. Review status: reviewed by expert panel. Criteria: ENIGMA BRCA1/2 Classification Criteria (2015). Collection method: curation. Allele origin: germline.
Comment: Variant allele predicted to encode a truncated non-functional protein.

Ambry Genetics
Classification: Pathogenic for Hereditary cancer-predisposing syndrome. Last evaluated: 2024-11-20. Review status: criteria provided, single submitter. Criteria: Ambry Variant Classification Scheme 2023. Collection method: clinical testing. Allele origin: germline. Not counted in ClinVar's aggregate classification.
Comment: The p.E1876* pathogenic mutation (also known as c.5626G>T), located in coding exon 10 of the BRCA2 gene, results from a G to T substitution at nucleotide position 5626. This changes the amino acid from a glutamic acid to a stop codon within coding exon 10. This variant is considered to be rare based on population cohorts in the Genome Aggregation Database (gnomAD). This alteration is expected to result in loss of function by premature protein truncation or nonsense-mediated mRNA decay. As such, this alteration is interpreted as a disease-causing mutation.

Labcorp Genetics (formerly Invitae), Labcorp
Classification: Pathogenic for Hereditary breast ovarian cancer syndrome. Last evaluated: 2024-10-16. Review status: criteria provided, single submitter. Criteria: Invitae Variant Classification Sherloc (09022015). Collection method: clinical testing. Allele origin: germline. Not counted in ClinVar's aggregate classification.
Comment: This sequence change creates a premature translational stop signal (p.Glu1876*) in the BRCA2 gene. It is expected to result in an absent or disrupted protein product. Loss-of-function variants in BRCA2 are known to be pathogenic (PMID: 20104584). This variant is not present in population databases (gnomAD no frequency). This variant has not been reported in the literature in individuals affected with BRCA2-related conditions. ClinVar contains an entry for this variant (Variation ID: 51894). For these reasons, this variant has been classified as Pathogenic.

GeneDx
Classification: Pathogenic. Last evaluated: 2018-02-19. Review status: criteria provided, single submitter. Criteria: GeneDx Variant Classification (06012015). Collection method: clinical testing. Allele origin: germline. Affected: yes. Not counted in ClinVar's aggregate classification.
Comment: This variant is denoted BRCA2 c.5626G>T at the cDNA level and p.Glu1876Ter (E1876X) at the protein level. The substitution creates a nonsense variant, which changes a Glutamic Acid to a premature stop codon (GAA>TAA), and is predicted to cause loss of normal protein function through protein truncation. This variant, also known as 5857G>T or 5854G>T using alternate nomenclature, has been reported in a family with breast cancer (Phelan 1996) and is considered pathogenic.

Literature cited by the submitters: PubMed 20104584 (cited by Labcorp Genetics (formerly Invitae), Labcorp).

NM_000059.4(BRCA2):c.5626G>T (p.Glu1876Ter)

Gene: BRCA2 (BRCA2 DNA repair associated; plus strand). Cytogenetic location: 13q13.1.
Variant type: single nucleotide variant.
Coding change: c.5626G>T on transcript NM_000059.4 (MANE Select); coding-DNA position 5626, G replaced by T.
Protein change: p.Glu1876Ter; replaces glutamic acid 1876 with a stop codon.
Molecular consequence: nonsense.
Genome position (GRCh38, 1-based): chr13:32,339,981, G>T. VCF-style: chr13-32339981-G-T. GRCh37 (hg19) VCF-style: chr13-32914118-G-T.
Other names: short protein forms E1876*.
Identifiers: ClinVar variation 51894 (VCV000051894.13), dbSNP rs397507793, ClinGen allele CA022743.